The following is an entry in ClinVar:

NM_001044385.3(TMEM237):c.1096G>T (p.Ala366Ser)

Gene: TMEM237 (transmembrane protein 237; minus strand). Cytogenetic location: 2q33.1.
Variant type: single nucleotide variant.
Coding change: c.1096G>T on transcript NM_001044385.3 (MANE Select); coding-DNA position 1096, G replaced by T.
Protein change: p.Ala366Ser; replaces alanine 366 with serine.
Molecular consequence: missense variant.
Genome position (GRCh38, 1-based): chr2:201,626,089, C>A on the plus strand (G>T on the coding strand, the complement: TMEM237 is on the minus strand). VCF-style: chr2-201626089-C-A. GRCh37 (hg19) VCF-style: chr2-202490812-C-A.
Other names: p.A358S:GCT>TCT; p.Ala366Ser; c.1072G>T, p.Ala358Ser (NM_152388.4); short protein forms A358S, A366S.
Identifiers: ClinVar variation 130592 (VCV000130592.20), dbSNP rs73989521, ClinGen allele CA155725.

ClinVar aggregate classification (germline): Benign. Review status: criteria provided, multiple submitters, no conflicts (2 of 4 stars). 7 submissions from 7 submitters: Benign (6). 1 of the submissions does not count toward it. Last evaluated 2026-02-04.

Conditions:
Joubert syndrome 14 (JBTS14). Identifiers: MedGen C3280766, MONDO:0013745, OMIM 614424.

Allele frequency attached by ClinVar (database versions not stated): gnomAD exomes 0.04445; 1000 Genomes Project 0.06250; 1000 Genomes Project 30x 0.06543; ExAC 0.06857; gnomAD 0.07579 and 0.07946; TOPMed 0.08211; ESP Exome Variant Server 0.08325.
gnomAD v4.1: 83,232 of 1,608,098 alleles (5.2%); highest among the groups gnomAD compares: African/African-American, 15%; 2,715 homozygotes.

Submissions (7):

Labcorp Genetics (formerly Invitae), Labcorp
Classification: Benign for Joubert syndrome 14. Last evaluated: 2026-02-04. Review status: criteria provided, single submitter. Criteria: Invitae Variant Classification Sherloc (09022015). Collection method: clinical testing. Allele origin: germline.

Mayo Clinic Laboratories, Mayo Clinic
Classification: Benign. Last evaluated: 2023-04-03. Review status: criteria provided, single submitter. Criteria: ACMG Guidelines, 2015. Collection method: clinical testing. Allele origin: germline. Observed: 14 variant alleles.

Illumina Laboratory Services, Illumina
Classification: Benign for Joubert syndrome 14. Last evaluated: 2018-01-12. Review status: criteria provided, single submitter. Criteria: ICSL Variant Classification Criteria 13 December 2019. Collection method: clinical testing. Allele origin: germline.
Comment: This variant was observed in the ICSL laboratory as part of a predisposition screen in an ostensibly healthy population. It had not been previously curated by ICSL or reported in the Human Gene Mutation Database (HGMD: prior to June 1st, 2018), and was therefore a candidate for classification through an automated scoring system. Utilizing variant allele frequency, disease prevalence and penetrance estimates, and inheritance mode, an automated score was calculated to assess if this variant is too frequent to cause the disease. Based on the score and internal cut-off values, a variant classified as benign is not then subjected to further curation. The score for this variant resulted in a classification of benign for this disease.

GeneDx
Classification: Benign. Last evaluated: 2014-01-30. Review status: criteria provided, single submitter. Criteria: GeneDx Variant Classification (06012015). Collection method: clinical testing. Allele origin: germline. Affected: yes.
Comment: This variant is considered likely benign or benign based on one or more of the following criteria: it is a conservative change, it occurs at a poorly conserved position in the protein, it is predicted to be benign by multiple in silico algorithms, and/or has population frequency not consistent with disease.

Breakthrough Genomics
Classification: Benign. Review status: criteria provided, single submitter. Criteria: ACMG Guidelines, 2015. Collection method: not provided. Allele origin: germline. Inheritance: Autosomal recessive inheritance. Affected: yes.

PreventionGenetics, part of Exact Sciences
Classification: Benign. Review status: criteria provided, single submitter. Criteria: ACMG Guidelines, 2015. Collection method: clinical testing. Allele origin: germline.

Genetic Services Laboratory, University of Chicago
Classification: Likely benign for AllHighlyPenetrant. Review status: no assertion criteria provided. Collection method: clinical testing. Allele origin: germline. Inheritance: Autosomal recessive inheritance. Not counted in ClinVar's aggregate classification.
Comment: Likely benign based on allele frequency in 1000 Genomes Project or ESP global frequency and its presence in a patient with a rare or unrelated disease phenotype. NOT Sanger confirmed.